The following is an entry in ClinVar:

ClinVar aggregate classification (germline): Uncertain significance (1 of 4 stars; one submission).

Allele frequency attached by ClinVar (database versions not stated): gnomAD exomes below 0.00001; TOPMed 0.00002.

Submission:

Labcorp Genetics (formerly Invitae), Labcorp
Classification: Uncertain significance. Last evaluated: 2025-10-02. Review status: criteria provided, single submitter. Criteria: Invitae Variant Classification Sherloc (09022015). Collection method: clinical testing. Allele origin: germline.
Comment: This sequence change replaces methionine, which is neutral and non-polar, with valine, which is neutral and non-polar, at codon 1890 of the RTTN protein (p.Met1890Val). This variant is present in population databases (no rsID available, gnomAD 0.0009%). This variant has not been reported in the literature in individuals affected with RTTN-related conditions. ClinVar contains an entry for this variant (Variation ID: 2871537). Invitae Evidence Modeling of protein sequence and biophysical properties (such as structural, functional, and spatial information, amino acid conservation, physicochemical variation, residue mobility, and thermodynamic stability) indicates that this missense variant is not expected to disrupt RTTN protein function with a negative predictive value of 80%. In summary, the available evidence is currently insufficient to determine the role of this variant in disease. Therefore, it has been classified as a Variant of Uncertain Significance.

NM_173630.4(RTTN):c.5668A>G (p.Met1890Val)

Gene: RTTN (rotatin; minus strand). Cytogenetic location: 18q22.2.
Variant type: single nucleotide variant.
Coding change: c.5668A>G on transcript NM_173630.4 (MANE Select); coding-DNA position 5668, A replaced by G.
Protein change: p.Met1890Val; replaces methionine 1890 with valine.
Molecular consequence: missense variant.
Genome position (GRCh38, 1-based): chr18:70,030,089, T>C on the plus strand (A>G on the coding strand, the complement: RTTN is on the minus strand). VCF-style: chr18-70030089-T-C. GRCh37 (hg19) VCF-style: chr18-67697325-T-C.
Other names: c.2932A>G, p.Met978Val (NM_001318520.2); short protein forms M1890V, M978V.
Identifiers: ClinVar variation 2871537 (VCV002871537.3), dbSNP rs1397976538, ClinGen allele CA402687058.